The following is an entry in ClinVar:

NM_015346.4(ZFYVE26):c.4181G>A (p.Trp1394Ter)

Gene: ZFYVE26 (zinc finger FYVE-type containing 26; minus strand). Cytogenetic location: 14q24.1.
Variant type: single nucleotide variant.
Coding change: c.4181G>A on transcript NM_015346.4 (MANE Select); coding-DNA position 4181, G replaced by A.
Protein change: p.Trp1394Ter; replaces tryptophan 1394 with a stop codon.
Molecular consequence: nonsense.
Genome position (GRCh38, 1-based): chr14:67,782,971, C>T on the plus strand (G>A on the coding strand, the complement: ZFYVE26 is on the minus strand). VCF-style: chr14-67782971-C-T. GRCh37 (hg19) VCF-style: chr14-68249688-C-T.
Other names: p.Trp1394*; short protein forms W1394*.
Identifiers: ClinVar variation 209210 (VCV000209210.20), dbSNP rs370828455, ClinGen allele CA250411.
Genomic context (GRCh38, chr14:67,782,971, plus strand): 5'-CTCAGTACATCTAGGGCAATGGGAGAATGTAGGCCCAGGAGAACGGTAGAAAGACTGGCC[C>T]AACCACAGAGATTCACTGCCAGACTCTGCCCCTGCTGCAAAGACCCTCGCAGGGGCTCCC-3'

ClinVar aggregate classification (germline): Pathogenic. Review status: criteria provided, multiple submitters, no conflicts (2 of 4 stars). 7 submissions from 7 submitters: Pathogenic (7). Last evaluated 2025-08-15.

Conditions:
ZFYVE26-related disorder. Also called: ZFYVE26-related condition.
Spastic paraplegia. Identifiers: MedGen C0037772, HP:0001258.
Hereditary spastic paraplegia. Also called: Familial spastic paraparesis. Identifiers: Orphanet 685, MedGen C0037773, MONDO:0019064. Disease mechanism: loss of function.
Hereditary spastic paraplegia 15 (SPG15). Also called: SPASTIC PARAPLEGIA 15, AUTOSOMAL RECESSIVE; KJELLIN SYNDROME; SPASTIC PARAPLEGIA AND RETINAL DEGENERATION. Identifiers: Orphanet 100996, MedGen C1849128, MONDO:0010044, OMIM 270700.

Allele frequency attached by ClinVar (database versions not stated): gnomAD exomes below 0.00001 and 0.00001; gnomAD 0.00001; TOPMed 0.00001; ESP Exome Variant Server 0.00008.
gnomAD v4.1: 5 of 1,614,088 alleles (0.00031%); highest among the groups gnomAD compares: Non-Finnish European, 0.00042%; no homozygotes.

Submissions (7):

Victorian Clinical Genetics Services, Murdoch Childrens Research Institute
Classification: Pathogenic for Hereditary spastic paraplegia 15. Last evaluated: 2025-08-15. Review status: criteria provided, single submitter. Criteria: ACMG Guidelines, 2015. Collection method: clinical testing. Allele origin: germline. Affected: yes.
Comment: This variant is classified as Pathogenic. Evidence in support of pathogenic classification: Variant is predicted to cause nonsense-mediated decay (NMD) and loss of protein (premature termination codon is located at least 54 nucleotides upstream of the final exon-exon junction); Variant is present in gnomAD <0.01 for a recessive condition (v4: 5 heterozygote(s), 0 homozygote(s)); This variant has strong previous evidence of pathogenicity in unrelated individuals. This variant has been classified as pathogenic by clinical laboratories in ClinVar; Other NMD-predicted variant(s) comparable to the one identified in this case have very strong previous evidence for pathogenicity (DECIPHER). Additional information: This variant is heterozygous; This gene is associated with autosomal recessive disease; Loss of function is a known mechanism of disease in this gene and is associated with autosomal recessive spastic paraplegia 15 (MIM#270700).

Labcorp Genetics (formerly Invitae), Labcorp
Classification: Pathogenic for Spastic paraplegia. Last evaluated: 2025-03-19. Review status: criteria provided, single submitter. Criteria: Invitae Variant Classification Sherloc (09022015). Collection method: clinical testing. Allele origin: germline.
Comment: This sequence change creates a premature translational stop signal (p.Trp1394*) in the ZFYVE26 gene. It is expected to result in an absent or disrupted protein product. Loss-of-function variants in ZFYVE26 are known to be pathogenic (PMID: 18394578, 19805727). This variant is present in population databases (rs370828455, gnomAD 0.0009%). This premature translational stop signal has been observed in individual(s) with anterior horn cell disease and tremor (PMID: 6944241). ClinVar contains an entry for this variant (Variation ID: 209210). For these reasons, this variant has been classified as Pathogenic.

GeneDx
Classification: Pathogenic. Last evaluated: 2024-08-07. Review status: criteria provided, single submitter. Criteria: GeneDx Variant Classification Process June 2021. Collection method: clinical testing. Allele origin: germline. Affected: yes.
Comment: Nonsense variant predicted to result in protein truncation or nonsense mediated decay in a gene for which loss of function is a known mechanism of disease; Not observed at significant frequency in large population cohorts (gnomAD); This variant is associated with the following publications: (PMID: 33144682, 37681008, 26944241, 36315648)

Fulgent Genetics
Classification: Pathogenic for Hereditary spastic paraplegia 15. Last evaluated: 2024-05-07. Review status: criteria provided, single submitter. Criteria: ACMG Guidelines, 2015. Collection method: clinical testing. Allele origin: germline.

Mayo Clinic Laboratories, Mayo Clinic
Classification: Pathogenic. Last evaluated: 2024-01-12. Review status: criteria provided, single submitter. Criteria: ACMG Guidelines, 2015. Collection method: clinical testing. Allele origin: germline. Observed: 1 variant allele.
Comment: PM2_moderate, PM3, PVS1

Blueprint Genetics
Classification: Pathogenic for ZFYVE26-related disorders. Last evaluated: 2021-12-03. Review status: criteria provided, single submitter. Criteria: ACMG Guidelines, 2015. Collection method: clinical testing. Allele origin: germline. Affected: yes. Observed: 2 variant alleles.

Genome Diagnostics Laboratory, The Hospital for Sick Children
Classification: Pathogenic for Hereditary spastic paraplegia. Last evaluated: 2021-06-06. Review status: criteria provided, single submitter. Criteria: ACMG Guidelines, 2015. Collection method: clinical testing. Allele origin: germline. Affected: yes.

Literature cited by the submitters: PubMed 18394578 (cited by Labcorp Genetics (formerly Invitae), Labcorp); PubMed 19805727 (cited by Labcorp Genetics (formerly Invitae), Labcorp); PubMed 6944241 (cited by Labcorp Genetics (formerly Invitae), Labcorp); PubMed 26944241 (cited by Mayo Clinic Laboratories, Mayo Clinic); PubMed 33144682 (cited by Mayo Clinic Laboratories, Mayo Clinic); PubMed 36315648 (cited by Mayo Clinic Laboratories, Mayo Clinic).